The following is an entry in ClinVar:

NM_001378454.1(ALMS1):c.5056G>A (p.Glu1686Lys)

Gene: ALMS1 (ALMS1 centrosome and basal body associated protein; plus strand). Cytogenetic location: 2p13.1.
Variant type: single nucleotide variant.
Coding change: c.5056G>A on transcript NM_001378454.1 (MANE Select); coding-DNA position 5056, G replaced by A.
Protein change: p.Glu1686Lys; replaces glutamic acid 1686 with lysine.
Molecular consequence: missense variant.
Genome position (GRCh38, 1-based): chr2:73,451,583, G>A. VCF-style: chr2-73451583-G-A. GRCh37 (hg19) VCF-style: chr2-73678710-G-A.
Other names: c.5059G>A, p.Glu1687Lys (NM_015120.4); short protein forms E1687K, E1686K.
Identifiers: ClinVar variation 2186855 (VCV002186855.5), dbSNP rs1553403999, ClinGen allele CA347279828.
Genomic context (GRCh38, chr2:73,451,583, plus strand): 5'-TCAAATAGGGGGAAGCCTGTCATTTTCTACCAGCAGACCCTATCAGACAGTCATTTACCT[G>A]AAGAAGCTCTGAAAGTTCCACCTGTTCCTGGACCAGATGCCCAGAAGACTGAGACACCAT-3'
Protein context (NP_001365383.1, residues 1676-1696): QQTLSDSHLP[Glu1686Lys]EALKVPPVPG

ClinVar aggregate classification (germline): Uncertain significance. Review status: criteria provided, multiple submitters, no conflicts (2 of 4 stars). 2 submissions from 2 submitters: Uncertain significance (2). Last evaluated 2021-12-25.

Conditions:
Alstrom syndrome (ALMS). Identifiers: Orphanet 64, MedGen C0268425, MONDO:0008763, OMIM 203800.

Allele frequency attached by ClinVar (database versions not stated): gnomAD exomes below 0.00001.
gnomAD v4.1: 1 of 1,614,030 alleles (0.000062%); highest among the groups gnomAD compares: Non-Finnish European, 0.000085%; no homozygotes.

Submissions (2):

Labcorp Genetics (formerly Invitae), Labcorp
Classification: Uncertain significance for Alstrom syndrome. Last evaluated: 2021-12-25. Review status: criteria provided, single submitter. Criteria: Invitae Variant Classification Sherloc (09022015). Collection method: clinical testing. Allele origin: germline.
Comment: This sequence change replaces glutamic acid, which is acidic and polar, with lysine, which is basic and polar, at codon 1687 of the ALMS1 protein (p.Glu1687Lys). In summary, the available evidence is currently insufficient to determine the role of this variant in disease. Therefore, it has been classified as a Variant of Uncertain Significance. Experimental studies and prediction algorithms are not available or were not evaluated, and the functional significance of this variant is currently unknown. This variant has not been reported in the literature in individuals affected with ALMS1-related conditions. This variant is not present in population databases (gnomAD no frequency).

Neuberg Centre For Genomic Medicine, NCGM
Classification: Uncertain significance for Alstrom syndrome. Review status: criteria provided, single submitter. Criteria: ACMG Guidelines, 2015. Collection method: clinical testing. Allele origin: germline. Inheritance: Autosomal recessive inheritance. Affected: yes.
Comment: The missense variant c.5056G>A(p.Glu1686Lys) in ALMS1 gene has not been reported previously as a pathogenic variant nor as a benign variant, to our knowledge. The observed variant is absent in gnomAD exomes database. This variant has not been submitted to the ClinVar database. The amino acid change p.Glu1686Lys in ALMS1 is predicted as conserved by GERP++ and PhyloP across 100 vertebrates. The amino acid Glu at position 1686 is changed to a Lys changing protein sequence and it might alter its composition and physico-chemical properties. For these reasons, this variant has been classified as Uncertain Significance (VUS).